The following is an entry in ClinVar:

ClinVar aggregate classification (germline): Uncertain significance (1 of 4 stars; one submission).

Submission:

Labcorp Genetics (formerly Invitae), Labcorp
Classification: Uncertain significance. Last evaluated: 2025-06-01. Review status: criteria provided, single submitter. Criteria: Invitae Variant Classification Sherloc (09022015). Collection method: clinical testing. Allele origin: germline.
Comment: This sequence change replaces valine, which is neutral and non-polar, with methionine, which is neutral and non-polar, at codon 487 of the TNNI3K protein (p.Val487Met). This variant is not present in population databases (gnomAD no frequency). This variant has not been reported in the literature in individuals affected with TNNI3K-related conditions. Invitae Evidence Modeling of protein sequence and biophysical properties (such as structural, functional, and spatial information, amino acid conservation, physicochemical variation, residue mobility, and thermodynamic stability) indicates that this missense variant is expected to disrupt TNNI3K protein function with a positive predictive value of 80%. In summary, the available evidence is currently insufficient to determine the role of this variant in disease. Therefore, it has been classified as a Variant of Uncertain Significance.

NM_015978.3(TNNI3K):c.1459G>A (p.Val487Met)

Genes: FPGT-TNNI3K (FPGT-TNNI3K readthrough; plus strand), TNNI3K (TNNI3 interacting kinase; plus strand). Cytogenetic location: 1p31.1.
Variant type: single nucleotide variant.
Coding change: c.1459G>A on transcript NM_015978.3 (MANE Select); coding-DNA position 1459, G replaced by A.
Protein change: p.Val487Met; replaces valine 487 with methionine.
Molecular consequence: missense variant.
Genome position (GRCh38, 1-based): chr1:74,369,251, G>A. VCF-style: chr1-74369251-G-A. GRCh37 (hg19) VCF-style: chr1-74834935-G-A.
Other names: c.1762G>A, p.Val588Met (NM_001112808.3, NM_001199327.2); short protein forms V487M, V588M.
Identifiers: ClinVar variation 4741088 (VCV004741088.1).